The following is an entry in ClinVar:

NM_000059.4(BRCA2):c.2456A>G (p.Gln819Arg)

Gene: BRCA2 (BRCA2 DNA repair associated; plus strand). Cytogenetic location: 13q13.1.
Variant type: single nucleotide variant.
Coding change: c.2456A>G on transcript NM_000059.4 (MANE Select); coding-DNA position 2456, A replaced by G.
Protein change: p.Gln819Arg; replaces glutamine 819 with arginine.
Molecular consequence: missense variant.
Genome position (GRCh38, 1-based): chr13:32,336,811, A>G. VCF-style: chr13-32336811-A-G. GRCh37 (hg19) VCF-style: chr13-32910948-A-G.
Other names: short protein forms Q819R.
Identifiers: ClinVar variation 481611 (VCV000481611.12), dbSNP rs1555282683, ClinGen allele CA387772305.
Genomic context (GRCh38, chr13:32,336,811, plus strand): 5'-AAGGTAACAATTATGAATCTGATGTTGAATTAACCAAAAATATTCCCATGGAAAAGAATC[A>G]AGATGTATGTGCTTTAAATGAAAATTATAAAAACGTTGAGCTGTTGCCACCTGAAAAATA-3'
Protein context (NP_000050.3, residues 809-829): LTKNIPMEKN[Gln819Arg]DVCALNENYK

ClinVar aggregate classification (germline): Conflicting classifications of pathogenicity. Review status: criteria provided, conflicting classifications (1 of 4 stars). 3 submissions from 3 submitters: Uncertain significance (2); Likely benign (1). Last evaluated 2024-09-12.

Conditions:
Hereditary breast ovarian cancer syndrome. Also called: Hereditary breast and ovarian cancer syndrome; Hereditary breast and ovarian cancer; Hereditary breast and ovarian cancer syndrome (HBOC); Breast and ovarian cancer; Hereditary breast and/or ovarian cancer syndrome; BRCA1- and BRCA2-Associated Hereditary Breast and Ovarian Cancer. Identifiers: Orphanet 145, MedGen C0677776, MeSH D061325, MONDO:0003582. Disease mechanism: loss of function.
Hereditary cancer-predisposing syndrome. Also called: Neoplastic Syndromes, Hereditary; Tumor predisposition; Hereditary Cancer Syndrome; Hereditary neoplastic syndrome. Identifiers: Orphanet 140162, MedGen C0027672, MeSH D009386, MONDO:0015356.

Submissions (3):

Labcorp Genetics (formerly Invitae), Labcorp
Classification: Uncertain significance for Hereditary breast ovarian cancer syndrome. Last evaluated: 2024-09-12. Review status: criteria provided, single submitter. Criteria: Invitae Variant Classification Sherloc (09022015). Collection method: clinical testing. Allele origin: germline.
Comment: This sequence change replaces glutamine, which is neutral and polar, with arginine, which is basic and polar, at codon 819 of the BRCA2 protein (p.Gln819Arg). This variant is not present in population databases (gnomAD no frequency). This missense change has been observed in individual(s) with breast cancer (PMID: 30287823). ClinVar contains an entry for this variant (Variation ID: 481611). Invitae Evidence Modeling of protein sequence and biophysical properties (such as structural, functional, and spatial information, amino acid conservation, physicochemical variation, residue mobility, and thermodynamic stability) indicates that this missense variant is not expected to disrupt BRCA2 protein function with a negative predictive value of 95%. In summary, the available evidence is currently insufficient to determine the role of this variant in disease. Therefore, it has been classified as a Variant of Uncertain Significance.

University of Washington Department of Laboratory Medicine, University of Washington
Classification: Likely benign for Hereditary cancer-predisposing syndrome. Last evaluated: 2023-03-23. Review status: criteria provided, single submitter. Criteria: Dines et al. (Genet Med. 2020). Collection method: curation. Allele origin: germline.
Comment: Missense variant in a coldspot region where missense variants are very unlikely to be pathogenic (PMID:31911673).

BRCA2 exon 11 coldspot. Reclassification based on statistical prior probability.

Ambry Genetics
Classification: Uncertain significance for Hereditary cancer-predisposing syndrome. Last evaluated: 2021-12-10. Review status: criteria provided, single submitter. Criteria: Ambry Variant Classification Scheme 2023. Collection method: clinical testing. Allele origin: germline.
Comment: The p.Q819R variant (also known as c.2456A>G), located in coding exon 10 of the BRCA2 gene, results from an A to G substitution at nucleotide position 2456. The glutamine at codon 819 is replaced by arginine, an amino acid with highly similar properties. This alteration was observed with an allele frequency of 0.00014 in 7,051 unselected female breast cancer patients and was observed with an allele frequency of 0.0000 in 11,241 female controls of Japanese ancestry (Momozawa Y et al. Nat Commun, 2018 10;9:4083).This amino acid position is well conserved in available vertebrate species. In addition, the in silico prediction for this alteration is inconclusive. Since supporting evidence is limited at this time, the clinical significance of this alteration remains unclear.

Literature cited by the submitters: PubMed 30287823 (cited by Labcorp Genetics (formerly Invitae), Labcorp and Ambry Genetics).